The following is an entry in ClinVar:

NM_006031.6(PCNT):c.1901A>G (p.Glu634Gly)

Gene: PCNT (pericentrin; plus strand). Cytogenetic location: 21q22.3.
Variant type: single nucleotide variant.
Coding change: c.1901A>G on transcript NM_006031.6 (MANE Select); coding-DNA position 1901, A replaced by G.
Protein change: p.Glu634Gly; replaces glutamic acid 634 with glycine.
Molecular consequence: missense variant.
Genome position (GRCh38, 1-based): chr21:46,355,591, A>G. VCF-style: chr21-46355591-A-G. GRCh37 (hg19) VCF-style: chr21-47775506-A-G.
Other names: c.1547A>G, p.Glu516Gly (NM_001315529.2); short protein forms E516G, E634G.
Identifiers: ClinVar variation 3356143 (VCV003356143.2).

ClinVar aggregate classification (germline): Uncertain significance. Review status: criteria provided, single submitter (1 of 4 stars). 2 submissions from 2 submitters: Uncertain significance (1). 1 of the submissions does not count toward it. Last evaluated 2025-04-09.

Conditions:
PCNT-related disorder. Also called: PCNT-related condition.

gnomAD v4.1: 5 of 1,613,910 alleles (0.00031%); highest among the groups gnomAD compares: Admixed American, 0.005%; no homozygotes.

Submissions (2):

Labcorp Genetics (formerly Invitae), Labcorp
Classification: Uncertain significance. Last evaluated: 2025-04-09. Review status: criteria provided, single submitter. Criteria: Invitae Variant Classification Sherloc (09022015). Collection method: clinical testing. Allele origin: germline.
Comment: This sequence change replaces glutamic acid, which is acidic and polar, with glycine, which is neutral and non-polar, at codon 634 of the PCNT protein (p.Glu634Gly). This variant is present in population databases (rs765228941, gnomAD 0.006%). This variant has not been reported in the literature in individuals affected with PCNT-related conditions. ClinVar contains an entry for this variant (Variation ID: 3356143). An algorithm developed to predict the effect of missense changes on protein structure and function outputs the following: PolyPhen-2: "Benign". The glycine amino acid residue is found in multiple mammalian species, which suggests that this missense change does not adversely affect protein function. In summary, the available evidence is currently insufficient to determine the role of this variant in disease. Therefore, it has been classified as a Variant of Uncertain Significance.

PreventionGenetics, part of Exact Sciences
Classification: Uncertain significance for PCNT-related condition. Last evaluated: 2024-07-01. Review status: no assertion criteria provided. Collection method: clinical testing. Allele origin: germline. Not counted in ClinVar's aggregate classification.
Comment: The PCNT c.1901A>G variant is predicted to result in the amino acid substitution p.Glu634Gly. To our knowledge, this variant has not been reported in the literature. This variant is reported in 0.0058% of alleles in individuals of Latino descent in gnomAD. At this time, the clinical significance of this variant is uncertain due to the absence of conclusive functional and genetic evidence.